The following is an entry in ClinVar:

ClinVar aggregate classification (germline): Likely benign. Review status: criteria provided, multiple submitters, no conflicts (2 of 4 stars). 2 submissions from 2 submitters: Likely benign (2). Last evaluated 2026-08-01.

gnomAD v4.1: 7,667 of 1,305,474 alleles (0.59%); highest among the groups gnomAD compares: Non-Finnish European, 0.71%; 31 homozygotes.

Submissions (2):

CeGaT Center for Human Genetics Tuebingen
Classification: Likely benign. Last evaluated: 2026-08-01. Review status: criteria provided, single submitter. Criteria: CeGaT Center For Human Genetics Tuebingen Variant Classification Criteria Version 2. Collection method: clinical testing. Allele origin: germline. Affected: yes. Observed: 2 variant alleles.
Comment: C16orf47: BS2

Blueprint Genetics
Classification: Likely benign. Last evaluated: 2024-10-31. Review status: criteria provided, single submitter. Criteria: ACMG Guidelines, 2015. Collection method: clinical testing. Allele origin: germline.

NM_001386735.1(ZFHX3):c.-414+3444A>T

Genes: C16orf47 (chromosome 16 open reading frame 47; minus strand), ZFHX3 (zinc finger homeobox 3; minus strand). Cytogenetic location: 16q22.3.
Variant type: single nucleotide variant.
Coding change: c.-414+3444A>T on transcript NM_001386735.1; 3444 bases into the intron after 414 bases upstream of the start codon, A replaced by T.
Molecular consequence: intron variant. On other transcripts: non-coding transcript variant (1).
Genome position (GRCh38, 1-based): chr16:73,127,524, T>A on the plus strand (A>T on the coding strand, the complement: ZFHX3 is on the minus strand). VCF-style: chr16-73127524-T-A. GRCh37 (hg19) VCF-style: chr16-73161423-T-A.
Identifiers: ClinVar variation 4820762 (VCV004820762.5).